The following is an entry in ClinVar:

NM_004656.4(BAP1):c.2013C>A (p.Tyr671Ter)

Gene: BAP1 (BRCA1 associated deubiquitinase 1; minus strand). Cytogenetic location: 3p21.1.
Variant type: single nucleotide variant.
Coding change: c.2013C>A on transcript NM_004656.4 (MANE Select); coding-DNA position 2013, C replaced by A.
Protein change: p.Tyr671Ter; replaces tyrosine 671 with a stop codon.
Molecular consequence: nonsense.
Genome position (GRCh38, 1-based): chr3:52,402,645, G>T on the plus strand (C>A on the coding strand, the complement: BAP1 is on the minus strand). VCF-style: chr3-52402645-G-T. GRCh37 (hg19) VCF-style: chr3-52436661-G-T.
Other names: c.1959C>A, p.Tyr653Ter (NM_001410772.1); short protein forms Y671*, Y653*.
Identifiers: ClinVar variation 3986703 (VCV003986703.1).

ClinVar aggregate classification (germline): Pathogenic (1 of 4 stars; one submission).

Conditions:
Hereditary cancer-predisposing syndrome. Also called: Tumor predisposition; Hereditary neoplastic syndrome; Neoplastic Syndromes, Hereditary; Hereditary Cancer Syndrome. Identifiers: Orphanet 140162, MedGen C0027672, MeSH D009386, MONDO:0015356.

Submission:

Ambry Genetics
Classification: Pathogenic for Hereditary cancer-predisposing syndrome. Last evaluated: 2025-03-20. Review status: criteria provided, single submitter. Criteria: Ambry Variant Classification Scheme 2023. Collection method: clinical testing. Allele origin: germline.
Comment: The p.Y671* variant (also known as c.2013C>A), located in coding exon 16 of the BAP1 gene, results from a C to A substitution at nucleotide position 2013. This changes the amino acid from a tyrosine to a stop codon within coding exon 16. This alteration was non-functional in a high throughput genome editing haploid cell survival functional assay (Waters AJ et al. Nat Genet, 2024 Jul;56:1434-1445). This variant is considered to be rare based on population cohorts in the Genome Aggregation Database (gnomAD). This alteration is expected to result in loss of function by premature protein truncation or nonsense-mediated mRNA decay. As such, this alteration is interpreted as a disease-causing mutation.

Literature cited by the submitters: PubMed 38969833.